The following is an entry in ClinVar:

NM_001854.4(COL11A1):c.3417C>A (p.Ser1139Arg)

Gene: COL11A1 (collagen type XI alpha 1 chain; minus strand). Cytogenetic location: 1p21.1.
Variant type: single nucleotide variant.
Coding change: c.3417C>A on transcript NM_001854.4 (MANE Select); coding-DNA position 3417, C replaced by A.
Protein change: p.Ser1139Arg; replaces serine 1139 with arginine.
Molecular consequence: missense variant. On other transcripts: non-coding transcript variant (1).
Genome position (GRCh38, 1-based): chr1:102,939,056, G>T on the plus strand (C>A on the coding strand, the complement: COL11A1 is on the minus strand). VCF-style: chr1-102939056-G-T. GRCh37 (hg19) VCF-style: chr1-103404612-G-T.
Other names: c.3069C>A, p.Ser1023Arg (NM_001168249.1, NM_080630.4); c.3300C>A, p.Ser1100Arg (NM_001190709.2); c.3453C>A, p.Ser1151Arg (NM_080629.3); short protein forms S1023R, S1100R, S1139R, S1151R.
Identifiers: ClinVar variation 1719564 (VCV001719564.5), dbSNP rs775702250, ClinGen allele CA341169180.
Genomic context (GRCh38, chr1:102,939,056, plus strand): 5'-AATAAATAATGTTCTCTCAGTAAGAAGTAGGAAACTCACATTTTCTCCCTTGTCACCCTT[G>T]CTGCCTTTTTGTCCCGGCTCACCAATTTCACCCTGAAATTGAAAGATTTGACTTAGAGTT-3'
Protein context (NP_001845.3, residues 1129-1149): GEIGEPGQKG[Ser1139Arg]KGDKGENGPP

ClinVar aggregate classification (germline): Uncertain significance (1 of 4 stars; one submission).

Submission:

Labcorp Genetics (formerly Invitae), Labcorp
Classification: Uncertain significance. Last evaluated: 2022-09-16. Review status: criteria provided, single submitter. Criteria: Invitae Variant Classification Sherloc (09022015). Collection method: clinical testing. Allele origin: germline.
Comment: This sequence change replaces serine, which is neutral and polar, with arginine, which is basic and polar, at codon 1139 of the COL11A1 protein (p.Ser1139Arg). This variant is not present in population databases (gnomAD no frequency). This variant has not been reported in the literature in individuals affected with COL11A1-related conditions. Advanced modeling of protein sequence and biophysical properties (such as structural, functional, and spatial information, amino acid conservation, physicochemical variation, residue mobility, and thermodynamic stability) has been performed at Invitae for this missense variant, however the output from this modeling did not meet the statistical confidence thresholds required to predict the impact of this variant on COL11A1 protein function. In summary, the available evidence is currently insufficient to determine the role of this variant in disease. Therefore, it has been classified as a Variant of Uncertain Significance.